The following is an entry in ClinVar:

NM_004656.4(BAP1):c.1319T>C (p.Leu440Pro)

Gene: BAP1 (BRCA1 associated deubiquitinase 1; minus strand). Cytogenetic location: 3p21.1.
Variant type: single nucleotide variant.
Coding change: c.1319T>C on transcript NM_004656.4 (MANE Select); coding-DNA position 1319, T replaced by C.
Protein change: p.Leu440Pro; replaces leucine 440 with proline.
Molecular consequence: missense variant.
Genome position (GRCh38, 1-based): chr3:52,403,826, A>G on the plus strand (T>C on the coding strand, the complement: BAP1 is on the minus strand). VCF-style: chr3-52403826-A-G. GRCh37 (hg19) VCF-style: chr3-52437842-A-G.
Other names: c.1319T>C (NM_004656.2); short protein forms L440P.
Identifiers: ClinVar variation 490792 (VCV000490792.8), dbSNP rs1553644982, ClinGen allele CA353102150.
Genomic context (GRCh38, chr3:52,403,826, plus strand): 5'-GAGAGGTCCTTCTGGGACTCTTTGAGCTTCTCAGCCAAGACGTTGATGGTGTTGGGCTGC[A>G]GCACTGACAGTTGCCCATCAGCAGAACCGCTCAATGCCCCTGGCTTCCCTGTTCCCTTCC-3'
Protein context (NP_004647.1, residues 430-450): SGSADGQLSV[Leu440Pro]QPNTINVLAE

ClinVar aggregate classification (germline): Uncertain significance. Review status: criteria provided, multiple submitters, no conflicts (2 of 4 stars). 2 submissions from 2 submitters: Uncertain significance (2). Last evaluated 2023-12-05.

Conditions:
Hereditary cancer-predisposing syndrome. Also called: Hereditary Cancer Syndrome; Neoplastic Syndromes, Hereditary; Tumor predisposition; Hereditary neoplastic syndrome. Identifiers: Orphanet 140162, MedGen C0027672, MeSH D009386, MONDO:0015356.

Submissions (2):

Color Diagnostics, LLC DBA Color Health
Classification: Uncertain significance for Hereditary cancer-predisposing syndrome. Last evaluated: 2023-12-05. Review status: criteria provided, single submitter. Criteria: ACMG Guidelines, 2015. Collection method: clinical testing. Allele origin: germline.
Comment: This missense variant replaces leucine with proline at codon 440 of the BAP1 protein. Computational prediction suggests that this variant may not impact protein structure and function (internally defined REVEL score threshold <= 0.5, PMID: 27666373). To our knowledge, functional studies have not been reported for this variant. This variant has not been reported in individuals affected with BAP1-related disorders in the literature. This variant has not been identified in the general population by the Genome Aggregation Database (gnomAD). The available evidence is insufficient to determine the role of this variant in disease conclusively. Therefore, this variant is classified as a Variant of Uncertain Significance.

Ambry Genetics
Classification: Uncertain significance for Hereditary cancer-predisposing syndrome. Last evaluated: 2022-11-17. Review status: criteria provided, single submitter. Criteria: Ambry Variant Classification Scheme 2023. Collection method: clinical testing. Allele origin: germline.
Comment: The p.L440P variant (also known as c.1319T>C), located in coding exon 13 of the BAP1 gene, results from a T to C substitution at nucleotide position 1319. The leucine at codon 440 is replaced by proline, an amino acid with similar properties. This amino acid position is conserved. In addition, this alteration is predicted to be deleterious by in silico analysis. Since supporting evidence is limited at this time, the clinical significance of this alteration remains unclear.